The following is an entry in ClinVar:

NM_006978.3(RNF113A):c.120C>G (p.Pro40=)

Genes: RNF113A (ring finger protein 113A; minus strand), LOC130068621 (ATAC-STARR-seq lymphoblastoid active region 29902; plus strand). Cytogenetic location: Xq24.
Variant type: single nucleotide variant.
Coding change: c.120C>G on transcript NM_006978.3 (MANE Select); coding-DNA position 120, C replaced by G.
Protein change: p.Pro40=; no amino-acid change (proline 40 retained).
Molecular consequence: synonymous variant.
Genome position (GRCh38, 1-based): chrX:119,871,494, G>C on the plus strand (C>G on the coding strand, the complement: RNF113A is on the minus strand). VCF-style: chrX-119871494-G-C. GRCh37 (hg19) VCF-style: chrX-119005457-G-C.
Identifiers: ClinVar variation 2414882 (VCV002414882.15), dbSNP rs781103087, ClinGen allele CA10503495.

ClinVar aggregate classification (germline): Likely benign. Review status: criteria provided, multiple submitters, no conflicts (2 of 4 stars). 2 submissions from 2 submitters: Likely benign (2). Last evaluated 2025-09-01.

Allele frequency attached by ClinVar (database versions not stated): ExAC 0.00001; gnomAD exomes 0.00001; TOPMed 0.00001; gnomAD 0.00002.
gnomAD v4.1: 6 of 1,210,947 alleles (0.0005%); highest among the groups gnomAD compares: East Asian, 0.003%; no homozygotes.

Submissions (2):

CeGaT Center for Human Genetics Tuebingen
Classification: Likely benign. Last evaluated: 2025-09-01. Review status: criteria provided, single submitter. Criteria: CeGaT Center For Human Genetics Tuebingen Variant Classification Criteria Version 2. Collection method: clinical testing. Allele origin: germline. Affected: yes. Observed: 1 variant allele.
Comment: RNF113A: BP4, BP7

Labcorp Genetics (formerly Invitae), Labcorp
Classification: Likely benign. Last evaluated: 2023-12-09. Review status: criteria provided, single submitter. Criteria: Invitae Variant Classification Sherloc (09022015). Collection method: clinical testing. Allele origin: germline.